The following is an entry in ClinVar:

NM_020975.6(RET):c.1894G>A (p.Glu632Lys)

Gene: RET (ret proto-oncogene; plus strand). Cytogenetic location: 10q11.21.
Variant type: single nucleotide variant.
Coding change: c.1894G>A on transcript NM_020975.6 (MANE Select); coding-DNA position 1894, G replaced by A.
Protein change: p.Glu632Lys; replaces glutamic acid 632 with lysine.
Molecular consequence: missense variant.
Genome position (GRCh38, 1-based): chr10:43,114,494, G>A. VCF-style: chr10-43114494-G-A. GRCh37 (hg19) VCF-style: chr10-43609942-G-A.
Other names: c.1894G>A, p.Glu632Lys (NM_000323.2, NM_001406743.1, NM_001406744.1 and 4 more transcripts); c.1132G>A, p.Glu378Lys (NM_001355216.2); c.1765G>A, p.Glu589Lys (NM_001406761.1, NM_001406762.1, NM_001406764.1); c.1606G>A, p.Glu536Lys (NM_001406766.1, NM_001406767.1, NM_001406770.1); c.1498G>A, p.Glu500Lys (NM_001406769.1, NM_001406772.1); c.1456G>A, p.Glu486Lys (NM_001406771.1, NM_001406773.1); c.997G>A, p.Glu333Lys (NM_001406782.1, NM_001406779.1, NM_001406780.1 and 1 more transcripts); c.868G>A, p.Glu290Lys (NM_001406783.1, NM_001406786.1); and 7 more; short protein forms E378K, E237K, E293K, E333K, E589K, E197K, E390K, E500K.
Identifiers: ClinVar variation 24920 (VCV000024920.63), dbSNP rs377767407, ClinGen allele CA008256.

ClinVar aggregate classification (germline): Conflicting classifications of pathogenicity. Review status: criteria provided, conflicting classifications (1 of 4 stars). 18 submissions from 17 submitters: Uncertain significance (14); Likely benign (2). 2 of the submissions do not count toward it. Last evaluated 2026-08-25.

Conditions:
Multiple endocrine neoplasia type 2A. Also called: MULTIPLE ENDOCRINE NEOPLASIA, TYPE IIA; PTC SYNDROME; SIPPLE SYNDROME; MEN 2A; MEN-2A syndrome; Pheochromocytoma and amyloid producing medullary thyroid carcinoma. Identifiers: Orphanet 247698, Orphanet 653, MedGen C0025268, MeSH D018813, MONDO:0008234, OMIM 171400.
Pheochromocytoma. Also called: MAX-Related Hereditary Paraganglioma-Pheochromocytoma Syndrome. Identifiers: Orphanet 29072, MedGen C0031511, MONDO:0008233, OMIM 171300, HP:0002666.
Familial medullary thyroid carcinoma (MTC). Also called: Thyroid cancer, familial medullary; MTC, familial; Familial Medullary Thyroid Carcinoma (FMTC). Identifiers: Orphanet 653, Orphanet 99361, MedGen C1833921, MONDO:0007958, OMIM 155240.
Multiple endocrine neoplasia type 2B. Also called: MEN 2B; Multiple endocrine neoplasia, type 3; MULTIPLE ENDOCRINE NEOPLASIA, TYPE IIB; MUCOSAL NEUROMA SYNDROME; NEUROMATA, MUCOSAL, WITH ENDOCRINE TUMORS; WAGENMANN-FROBOESE SYNDROME. Identifiers: Orphanet 247709, Orphanet 653, MedGen C0025269, MeSH D018814, MONDO:0008082, OMIM 162300.
Hirschsprung disease, susceptibility to, 1 (HSCR1). Also called: RET-Related Hirschsprung Disease. Identifiers: Orphanet 388, MedGen C3888239, MONDO:0007723, OMIM 142623.
RET-related disorder. Also called: RET-related condition; RET-related disease; RET-related disorders.
Hereditary cancer-predisposing syndrome. Also called: Neoplastic Syndromes, Hereditary; Tumor predisposition; Hereditary neoplastic syndrome; Hereditary Cancer Syndrome. Identifiers: Orphanet 140162, MedGen C0027672, MeSH D009386, MONDO:0015356.
Multiple endocrine neoplasia, type 2 (MEN2). Identifiers: Orphanet 653, MedGen C4048306, MONDO:0019003. Disease mechanism: gain of function.

Allele frequency attached by ClinVar (database versions not stated): gnomAD exomes 0.00004 and 0.00010; TOPMed 0.00006; gnomAD 0.00007 and 0.00006; 1000 Genomes Project 30x 0.00016; ExAC 0.00009; 1000 Genomes Project 0.00020.
gnomAD v4.1: 73 of 1,607,222 alleles (0.0045%); highest among the groups gnomAD compares: South Asian, 0.037%; no homozygotes.

Submissions 1 to 14 of 18:

PreventionGenetics, part of Exact Sciences
Classification: Uncertain significance for RET-related condition. Last evaluated: 2026-08-25. Review status: criteria provided, single submitter. Criteria: ACMG Guidelines, 2015. Collection method: clinical testing. Allele origin: germline.
Comment: The RET c.1894G>A variant is predicted to result in the amino acid substitution p.Glu632Lys. This variant has been reported in at least one individual with medullary thyroid cancer (Romei et al. 2015. PubMed ID: 25440022) and one individual with Hirschsprung’s disease (Carter et al. 2012. PubMed ID: 22648184). This variant is reported in 0.046% of alleles in individuals of South Asian descent in gnomAD, and has conflicting interpretations regarding its pathogenicity in ClinVar, ranging from likely benign to uncertain (Variation ID: 24920). Although we suspect that this variant may be benign, at this time, the clinical significance of this variant is uncertain due to the absence of conclusive functional and genetic evidence.

Labcorp Genetics (formerly Invitae), Labcorp
Classification: Uncertain significance for Multiple endocrine neoplasia, type 2. Last evaluated: 2026-02-03. Review status: criteria provided, single submitter. Criteria: Invitae Variant Classification Sherloc (09022015). Collection method: clinical testing. Allele origin: germline.
Comment: This sequence change replaces glutamic acid, which is acidic and polar, with lysine, which is basic and polar, at codon 632 of the RET protein (p.Glu632Lys). This variant is present in population databases (rs377767407, gnomAD 0.05%), and has an allele count higher than expected for a pathogenic variant. This missense change has been observed in individual(s) with medullary thyroid carcinoma (PMID: 17605401, 22648184, 25440022, 30217742, 31510104). ClinVar contains an entry for this variant (Variation ID: 24920). An algorithm developed to predict the effect of missense changes on protein structure and function (PolyPhen-2) suggests that this variant is likely to be tolerated. In summary, the available evidence is currently insufficient to determine the role of this variant in disease. Therefore, it has been classified as a Variant of Uncertain Significance.

GeneDx
Classification: Uncertain significance. Last evaluated: 2024-12-04. Review status: criteria provided, single submitter. Criteria: GeneDx Variant Classification Process June 2021. Collection method: clinical testing. Allele origin: germline. Affected: yes.
Comment: In silico analysis indicates that this missense variant does not alter protein structure/function; This variant is associated with the following publications: (PMID: 17605401, 21479187, 16767674, 25440022, 34169762, 34570441, 31510104, 22648184, 30217742, 31159747, 14633923)

Blueprint Genetics
Classification: Uncertain significance. Last evaluated: 2024-11-21. Review status: criteria provided, single submitter. Criteria: ACMG Guidelines, 2015. Collection method: clinical testing. Allele origin: germline.

Myriad Genetics, Inc.
Classification: Likely benign for Multiple endocrine neoplasia type 2A. Last evaluated: 2024-08-12. Review status: criteria provided, single submitter. Criteria: Myriad Autosomal Dominant, Autosomal Recessive and X-Linked Classification Criteria (2023). Collection method: clinical testing. Allele origin: unknown.
Comment: This variant is considered likely benign. This variant has been observed at a population frequency that is significantly greater than expected given the associated disease prevalence and penetrance.

Quest Diagnostics Nichols Institute San Juan Capistrano
Classification: Uncertain significance. Last evaluated: 2024-07-30. Review status: criteria provided, single submitter. Criteria: Quest Diagnostics criteria. Collection method: clinical testing. Allele origin: unknown.

Fulgent Genetics
Classification: Uncertain significance for Hirschsprung disease, susceptibility to, 1; Familial medullary thyroid carcinoma; Multiple endocrine neoplasia type 2B; Pheochromocytoma; Multiple endocrine neoplasia type 2A. Last evaluated: 2024-04-12. Review status: criteria provided, single submitter. Criteria: ACMG Guidelines, 2015. Collection method: clinical testing. Allele origin: germline.

Color Diagnostics, LLC DBA Color Health
Classification: Uncertain significance for Multiple endocrine neoplasia, type 2. Last evaluated: 2024-02-07. Review status: criteria provided, single submitter. Criteria: ACMG Guidelines, 2015. Collection method: clinical testing. Allele origin: germline.
Comment: This missense variant replaces glutamic acid with lysine at codon 632 of the RET protein. Computational prediction is inconclusive regarding the impact of this variant on protein structure and function (internally defined REVEL score threshold 0.5 < inconclusive < 0.7, PMID: 27666373). To our knowledge, functional studies have not been reported for this variant. This variant has been reported in one individual affected with familial medullary thyroid carcinoma (PMID: 31510104, 25440022), one individual affected with pheochromocytoma (PMID: 26497911), and two individuals affected with Hirschsprung disease (PMID: 22648184, 30217742). This variant has been identified in 24/247226 chromosomes in the general population by the Genome Aggregation Database (gnomAD). The available evidence is insufficient to determine the role of this variant in disease conclusively. Therefore, this variant is classified as a Variant of Uncertain Significance.

CeGaT Center for Human Genetics Tuebingen
Classification: Uncertain significance. Last evaluated: 2024-02-01. Review status: criteria provided, single submitter. Criteria: CeGaT Center For Human Genetics Tuebingen Variant Classification Criteria Version 2. Collection method: clinical testing. Allele origin: germline. Affected: yes. Observed: 1 variant allele.
Comment: RET: PM1

Laboratory of Molecular and Cytogenetics, Department of Anatomy, All India Institute of Medical Sciences (AIIMS)
Classification: Uncertain significance for Multiple endocrine neoplasia type 2A. Last evaluated: 2023-06-10. Review status: criteria provided, single submitter. Criteria: ACMG Guidelines, 2015. Collection method: clinical testing. Allele origin: germline. Affected: yes. Observed: 1 variant allele.

Institute for Clinical Genetics, University Hospital TU Dresden, University Hospital TU Dresden
Classification: Uncertain significance. Last evaluated: 2021-11-03. Review status: criteria provided, single submitter. Criteria: ACMG Guidelines, 2015. Collection method: clinical testing. Allele origin: germline.

Mayo Clinic Laboratories, Mayo Clinic
Classification: Uncertain significance. Last evaluated: 2021-05-05. Review status: criteria provided, single submitter. Criteria: ACMG Guidelines, 2015. Collection method: clinical testing. Allele origin: germline.

Laboratory for Molecular Medicine, Mass General Brigham Personalized Medicine
Classification: Uncertain significance. Last evaluated: 2021-04-12. Review status: criteria provided, single submitter. Criteria: ACMG Guidelines, 2015. Collection method: clinical testing. Allele origin: germline.
Comment: The p.Glu632Lys variant in RET has been reported in 2 individuals with Hirschsprung's disease, 1 individual with medullary thyroid carcinoma, and 1 individual tested for a hereditary cancer panel (Carter 2011 PMID: 22648184, Romei 2015 PMID: 25440022, Tang 2018 PMID: 30217742, Tsaousis 2019 PMID: 31159747). It has also been identified in 0.05% (14/30612) of South Asian chromosomes by gnomAD. Computational prediction tools and conservation analyses suggest that this variant may not impact the protein, though this information is not predictive enough to rule out pathogenicity. In summary, the clinical significance of this variant is uncertain. ACMG/AMP Criteria applied: BP4.

Ambry Genetics
Classification: Likely benign for Hereditary cancer-predisposing syndrome. Last evaluated: 2020-09-09. Review status: criteria provided, single submitter. Criteria: Ambry Variant Classification Scheme 2023. Collection method: clinical testing. Allele origin: germline.